The following is an entry in ClinVar:

ClinVar aggregate classification (germline): Pathogenic (1 of 4 stars; one submission).

Conditions:
X-linked Alport syndrome (ATS1). Also called: COL4A5-Related Nephropathy; NEPHROPATHY AND DEAFNESS, X-LINKED. Identifiers: Orphanet 63, Orphanet 88917, MedGen C4746986, MONDO:0010520, OMIM 301050.

Submission:

Victorian Clinical Genetics Services, Murdoch Childrens Research Institute
Classification: Pathogenic for X-linked Alport syndrome. Last evaluated: 2018-07-02. Review status: criteria provided, single submitter. Criteria: ACMG Guidelines, 2015. Collection method: clinical testing. Allele origin: unknown. Affected: yes.
Comment: A hemizygous missense variant, NM_000495.4(COL4A5):c.2333G>A, has been identified in exon 29 of 51 of the COL4A5 gene. The variant is predicted to result in a moderate amino acid change from glycine to aspartic acid at position 778 of the protein (NP_000486.1(COL4A5):p.(Gly778Asp)). The glycine residue at this position has very high conservation (100 vertebrates, UCSC), and is located within the collagen triple helix repeat domain. In silico predictions for this variant are consistently pathogenic (Polyphen, SIFT, CADD, Mutation Taster). The variant is absent in population databases (gnomAD, dbSNP, 1000G), and has not been previously reported in clinical cases. A different variant in the same codon resulting in a change to serine has also been shown to cause Alport syndrome (ClinVar). Based on the information available at the time of curation, this variant has been classified as PATHOGENIC.

NM_033380.3(COL4A5):c.2333G>A (p.Gly778Asp)

Gene: COL4A5 (collagen type IV alpha 5 chain; plus strand). Cytogenetic location: Xq22.3.
Variant type: single nucleotide variant.
Coding change: c.2333G>A on transcript NM_033380.3 (MANE Select); coding-DNA position 2333, G replaced by A.
Protein change: p.Gly778Asp; replaces glycine 778 with aspartic acid.
Molecular consequence: missense variant.
Genome position (GRCh38, 1-based): chrX:108,606,830, G>A. VCF-style: chrX-108606830-G-A. GRCh37 (hg19) VCF-style: chrX-107850060-G-A.
Other names: c.2333G>A, p.Gly778Asp (NM_000495.5); short protein forms G778D.
Identifiers: ClinVar variation 975075 (VCV000975075.3), dbSNP rs2066736770, ClinGen allele CA413849039.